The following is an entry in ClinVar:

NM_000051.4(ATM):c.816T>G (p.Asn272Lys)

Gene: ATM (ATM serine/threonine kinase; plus strand). Cytogenetic location: 11q22.3.
Variant type: single nucleotide variant.
Coding change: c.816T>G on transcript NM_000051.4 (MANE Select); coding-DNA position 816, T replaced by G.
Protein change: p.Asn272Lys; replaces asparagine 272 with lysine.
Molecular consequence: missense variant.
Genome position (GRCh38, 1-based): chr11:108,244,941, T>G. VCF-style: chr11-108244941-T-G. GRCh37 (hg19) VCF-style: chr11-108115668-T-G.
Other names: c.816T>G, p.Asn272Lys (NM_001351834.2); short protein forms N272K.
Identifiers: ClinVar variation 3445955 (VCV003445955.1).

ClinVar aggregate classification (germline): Uncertain significance (1 of 4 stars; one submission).

Conditions:
Hereditary cancer-predisposing syndrome. Also called: Tumor predisposition; Neoplastic Syndromes, Hereditary; Hereditary neoplastic syndrome; Hereditary Cancer Syndrome. Identifiers: Orphanet 140162, MedGen C0027672, MeSH D009386, MONDO:0015356.

Submission:

Ambry Genetics
Classification: Uncertain significance for Hereditary cancer-predisposing syndrome. Last evaluated: 2024-07-11. Review status: criteria provided, single submitter. Criteria: Ambry Variant Classification Scheme 2023. Collection method: clinical testing. Allele origin: germline.
Comment: The p.N272K variant (also known as c.816T>G), located in coding exon 6 of the ATM gene, results from a T to G substitution at nucleotide position 816. The asparagine at codon 272 is replaced by lysine, an amino acid with similar properties. This amino acid position is conserved. In addition, this alteration is predicted to be tolerated by in silico analysis. Based on the available evidence, the clinical significance of this variant remains unclear.